The following is an entry in ClinVar:

ClinVar aggregate classification (germline): Uncertain significance (1 of 4 stars; one submission).

Conditions:
Spermatogenic failure 18. Identifiers: MedGen C4539783, MONDO:0054615, OMIM 617576.
Ciliary dyskinesia, primary, 37 (CILD37). Also called: CILIARY DYSKINESIA, PRIMARY, 37, WITH OR WITHOUT SITUS INVERSUS. Identifiers: MedGen C4539798, MONDO:0033204, OMIM 617577.

Allele frequency attached by ClinVar (database versions not stated): ExAC 0.00009; gnomAD exomes 0.00002; gnomAD 0.00001; TOPMed 0.00002.
gnomAD v4.1: 11 of 1,586,824 alleles (0.00069%); highest among the groups gnomAD compares: Admixed American, 0.02%; no homozygotes.

Submission:

Labcorp Genetics (formerly Invitae), Labcorp
Classification: Uncertain significance for Ciliary dyskinesia, primary, 37; Spermatogenic failure 18. Last evaluated: 2025-12-27. Review status: criteria provided, single submitter. Criteria: Invitae Variant Classification Sherloc (09022015). Collection method: clinical testing. Allele origin: germline.
Comment: This sequence change falls in intron 41 of the DNAH1 gene. It does not directly change the encoded amino acid sequence of the DNAH1 protein. It affects a nucleotide within the consensus splice site. The frequency data for this variant in the population databases is considered unreliable, as metrics indicate poor data quality at this position in the gnomAD database. This variant has not been reported in the literature in individuals affected with DNAH1-related conditions. ClinVar contains an entry for this variant (Variation ID: 2034866). Variants that disrupt the consensus splice site are a relatively common cause of aberrant splicing (PMID: 17576681, 9536098). Algorithms developed to predict the effect of sequence changes on RNA splicing suggest that this variant is not likely to affect RNA splicing. In summary, the available evidence is currently insufficient to determine the role of this variant in disease. Therefore, it has been classified as a Variant of Uncertain Significance.

Literature cited by the submitters: PubMed 17576681; PubMed 9536098.

NM_015512.5(DNAH1):c.6525+5C>T

Gene: DNAH1 (dynein axonemal heavy chain 1; plus strand). Cytogenetic location: 3p21.1.
Variant type: single nucleotide variant.
Coding change: c.6525+5C>T on transcript NM_015512.5 (MANE Select); 5 bases into the intron after coding-DNA position 6525, C replaced by T.
Molecular consequence: intron variant.
Genome position (GRCh38, 1-based): chr3:52,370,830, C>T. VCF-style: chr3-52370830-C-T. GRCh37 (hg19) VCF-style: chr3-52404846-C-T.
Identifiers: ClinVar variation 2034866 (VCV002034866.4), dbSNP rs751116692, ClinGen allele CA2434542.